The following is an entry in ClinVar:

NM_001372106.1(DNAH10):c.5197T>C (p.Ser1733Pro)

Gene: DNAH10 (dynein axonemal heavy chain 10; plus strand). Cytogenetic location: 12q24.31.
Variant type: single nucleotide variant.
Coding change: c.5197T>C on transcript NM_001372106.1 (MANE Select); coding-DNA position 5197, T replaced by C.
Protein change: p.Ser1733Pro; replaces serine 1733 with proline.
Molecular consequence: missense variant.
Genome position (GRCh38, 1-based): chr12:123,841,382, T>C. VCF-style: chr12-123841382-T-C. GRCh37 (hg19) VCF-style: chr12-124325929-T-C.
Other names: c.4843T>C, p.Ser1615Pro (NM_001083900.1, NM_207437.3); short protein forms S1615P, S1733P.
Identifiers: ClinVar variation 2643525 (VCV002643525.24), dbSNP rs763765733, ClinGen allele CA6863790.

ClinVar aggregate classification (germline): Likely benign (1 of 4 stars; one submission).

Allele frequency attached by ClinVar (database versions not stated): TOPMed 0.00007; gnomAD exomes 0.00019; gnomAD 0.00023; ExAC 0.00032.
gnomAD v4.1: 297 of 1,613,774 alleles (0.018%); highest among the groups gnomAD compares: Non-Finnish European, 0.014%; no homozygotes.

Submission:

CeGaT Center for Human Genetics Tuebingen
Classification: Likely benign. Last evaluated: 2023-10-01. Review status: criteria provided, single submitter. Criteria: CeGaT Center For Human Genetics Tuebingen Variant Classification Criteria Version 2. Collection method: clinical testing. Allele origin: germline. Affected: yes. Observed: 1 variant allele.
Comment: DNAH10: BP4